The following is an entry in ClinVar:

NM_032043.3(BRIP1):c.2735C>A (p.Thr912Asn)

Gene: BRIP1 (BRCA1 interacting DNA helicase 1; minus strand). Cytogenetic location: 17q23.2.
Variant type: single nucleotide variant.
Coding change: c.2735C>A on transcript NM_032043.3 (MANE Select); coding-DNA position 2735, C replaced by A.
Protein change: p.Thr912Asn; replaces threonine 912 with asparagine.
Molecular consequence: missense variant.
Genome position (GRCh38, 1-based): chr17:61,686,006, G>T on the plus strand (C>A on the coding strand, the complement: BRIP1 is on the minus strand). VCF-style: chr17-61686006-G-T. GRCh37 (hg19) VCF-style: chr17-59763367-G-T.
Other names: short protein forms T912N.
Identifiers: ClinVar variation 922273 (VCV000922273.14), dbSNP rs571949350, ClinGen allele CA8690459.
Genomic context (GRCh38, chr17:61,686,006, plus strand): 5'-TCTGGTGATAGATGACTTGCTGCTTCCAGTAAATAAGGTGAGGTACTGTACTTTAAAGAG[G>T]TCACTTCAAGTGTAGACTCATTGTCCTGTATATTGGTTCTGTCCTTTATGGATACATTAA-3'
Protein context (NP_114432.2, residues 902-922): IQDNESTLEV[Thr912Asn]SLKYSTSPYL

ClinVar aggregate classification (germline): Uncertain significance. Review status: criteria provided, multiple submitters, no conflicts (2 of 4 stars). 4 submissions from 4 submitters: Uncertain significance (4). Last evaluated 2025-10-25.

Conditions:
Hereditary cancer-predisposing syndrome. Also called: Hereditary Cancer Syndrome; Hereditary neoplastic syndrome; Neoplastic Syndromes, Hereditary; Tumor predisposition. Identifiers: Orphanet 140162, MedGen C0027672, MeSH D009386, MONDO:0015356.
Familial cancer of breast. Also called: hereditary breast carcinoma; BREAST CANCER, FAMILIAL; Hereditary breast cancer. Identifiers: Orphanet 227535, MedGen C0346153, MONDO:0016419, OMIM 114480. Disease mechanism: loss of function.
Fanconi anemia complementation group J. Also called: BRIP1-Related Fanconi Anemia. Identifiers: Orphanet 84, MedGen C1836860, MONDO:0012187, OMIM 609054.

Allele frequency attached by ClinVar (database versions not stated): gnomAD 0.00001; ExAC 0.00002; 1000 Genomes Project 30x 0.00016; 1000 Genomes Project 0.00020.
gnomAD v4.1: 13 of 1,613,952 alleles (0.00081%); highest among the groups gnomAD compares: South Asian, 0.013%; no homozygotes.

Submissions (4):

Ambry Genetics
Classification: Uncertain significance for Hereditary cancer-predisposing syndrome. Last evaluated: 2025-10-25. Review status: criteria provided, single submitter. Criteria: Ambry Variant Classification Scheme 2023. Collection method: clinical testing. Allele origin: germline.
Comment: The p.T912N variant (also known as c.2735C>A), located in coding exon 18 of the BRIP1 gene, results from a C to A substitution at nucleotide position 2735. The threonine at codon 912 is replaced by asparagine, an amino acid with similar properties. This amino acid position is conserved. In addition, this alteration is predicted to be tolerated by in silico analysis. Since supporting evidence is limited at this time, the clinical significance of this alteration remains unclear.

Color Diagnostics, LLC DBA Color Health
Classification: Uncertain significance for Hereditary cancer-predisposing syndrome. Last evaluated: 2023-12-05. Review status: criteria provided, single submitter. Criteria: ACMG Guidelines, 2015. Collection method: clinical testing. Allele origin: germline.
Comment: This missense variant replaces threonine with asparagine at codon 912 of the BRIP1 protein. Computational prediction tools and conservation analyses suggest that this variant may not impact the protein function. Computational splicing tools suggest that this variant may not impact RNA splicing. To our knowledge, functional assays have not been performed for this variant nor has this variant been reported in individuals affected with hereditary cancer in the literature. This variant has been identified in 6/251368 chromosomes in the general population by the Genome Aggregation Database (gnomAD). Available evidence is insufficient to determine the role of this variant in disease conclusively. Therefore, this variant is classified as a Variant of Uncertain Significance.

Labcorp Genetics (formerly Invitae), Labcorp
Classification: Uncertain significance for Familial cancer of breast; Fanconi anemia complementation group J. Last evaluated: 2022-07-16. Review status: criteria provided, single submitter. Criteria: Invitae Variant Classification Sherloc (09022015). Collection method: clinical testing. Allele origin: germline.
Comment: This sequence change replaces threonine, which is neutral and polar, with asparagine, which is neutral and polar, at codon 912 of the BRIP1 protein (p.Thr912Asn). This variant is present in population databases (rs571949350, gnomAD 0.02%). This variant has not been reported in the literature in individuals affected with BRIP1-related conditions. ClinVar contains an entry for this variant (Variation ID: 922273). Algorithms developed to predict the effect of missense changes on protein structure and function (SIFT, PolyPhen-2, Align-GVGD) all suggest that this variant is likely to be tolerated. In summary, the available evidence is currently insufficient to determine the role of this variant in disease. Therefore, it has been classified as a Variant of Uncertain Significance.

Neuberg Centre For Genomic Medicine, NCGM
Classification: Uncertain significance for Familial cancer of breast. Review status: criteria provided, single submitter. Criteria: ACMG Guidelines, 2015. Collection method: clinical testing. Allele origin: germline. Inheritance: Autosomal dominant inheritance. Affected: yes.
Comment: The missense c.2735C>A (p.Thr912Asn) variant in BRIP1 gene has not been reported previously as a pathogenic variant nor as a benign variant, to our knowledge. The p.Thr912Asn variant is reported with an allele frequency of 0.002% in the gnomAD exomes database. This variant has been reported to the ClinVar database as Uncertain Significance. The amino acid change p.Thr912Asn in BRIP1 is predicted as conserved by GERP++ and PhyloP across 100 vertebrates. The amino acid Thr at position 912 is changed to a Asn changing protein sequence and it might alter its composition and physico-chemical properties. For these reasons, this variant has been classified as a Variant of Uncertain Significance (VUS).